The following is an entry in ClinVar:

NM_002796.3(PSMB4):c.104C>T (p.Ala35Val)

Gene: PSMB4 (proteasome 20S subunit beta 4; plus strand). Cytogenetic location: 1q21.3.
Variant type: single nucleotide variant.
Coding change: c.104C>T on transcript NM_002796.3 (MANE Select); coding-DNA position 104, C replaced by T.
Protein change: p.Ala35Val; replaces alanine 35 with valine.
Molecular consequence: missense variant.
Genome position (GRCh38, 1-based): chr1:151,399,691, C>T. VCF-style: chr1-151399691-C-T. GRCh37 (hg19) VCF-style: chr1-151372167-C-T.
Other names: short protein forms A35V.
Identifiers: ClinVar variation 4702846 (VCV004702846.1).

ClinVar aggregate classification (germline): Uncertain significance (1 of 4 stars; one submission).

gnomAD v4.1: 1 of 1,614,154 alleles (0.000062%); highest among the groups gnomAD compares: Admixed American, 0.0017%; no homozygotes.

Submission:

Labcorp Genetics (formerly Invitae), Labcorp
Classification: Uncertain significance. Last evaluated: 2025-11-13. Review status: criteria provided, single submitter. Criteria: Invitae Variant Classification Sherloc (09022015). Collection method: clinical testing. Allele origin: germline.
Comment: This sequence change replaces alanine, which is neutral and non-polar, with valine, which is neutral and non-polar, at codon 35 of the PSMB4 protein (p.Ala35Val). This variant is not present in population databases (gnomAD no frequency). This variant has not been reported in the literature in individuals affected with PSMB4-related conditions. An algorithm developed to predict the effect of missense changes on protein structure and function outputs the following: PolyPhen-2: "Benign". The valine amino acid residue is found in multiple mammalian species, which suggests that this missense change does not adversely affect protein function. In summary, the available evidence is currently insufficient to determine the role of this variant in disease. Therefore, it has been classified as a Variant of Uncertain Significance.